The following is an entry in ClinVar:

NM_003482.4(KMT2D):c.7026_7029dup (p.Gly2344fs)

Gene: KMT2D (lysine methyltransferase 2D; minus strand). Cytogenetic location: 12q13.12.
Variant type: Duplication.
Coding change: c.7026_7029dup on transcript NM_003482.4 (MANE Select); coding-DNA positions 7026 to 7029, 4 bases duplicated (CCCG; older notation c.7026_7029dupCCCG).
Protein change: p.Gly2344fs; shifts the reading frame from glycine 2344.
Molecular consequence: frameshift variant.
Genome position (GRCh38, 1-based): chr12:49,040,741-49,040,744, CGGG duplicated on the plus strand (CCCG on the coding strand, the reverse complement: KMT2D is on the minus strand); duplicating any 4 consecutive bases within chr12:49,040,741-49,040,745 gives the same sequence; the c. name uses the placement nearest the transcript's 3' end. VCF-style (leftmost placement, unchanged base first): chr12-49040740-C-CCGGG. GRCh37 (hg19) VCF-style: chr12-49434523-C-CCGGG.
Other names: short protein forms G2344fs.
Identifiers: ClinVar variation 4293319 (VCV004293319.1).
Genomic context (GRCh38, chr12:49,040,740, plus strand): 5'-TTGGAGGAGAAGGTGCCAAAGCCTGGGCAGGGGGTGGCTCCTGGGGCCTTAGGCCCAAGC[C>CCGGG]CGGGCTCTGGGGCTCTACCTGAGATGCCCGAGGGGTCAGGGGGGCTTTGAAGACATCAGG-3'

ClinVar aggregate classification (germline): Likely pathogenic (1 of 4 stars; one submission).

Conditions:
Kabuki syndrome 1 (KABUK1). Also called: KMT2D-Related Kabuki Syndrome. Identifiers: Orphanet 2322, MedGen CN030661, MONDO:0007843, OMIM 147920.

Submission:

3billion
Classification: Likely pathogenic for Kabuki syndrome 1. Last evaluated: 2024-11-25. Review status: criteria provided, single submitter. Criteria: ACMG Guidelines, 2015. Collection method: clinical testing. Allele origin: germline. Affected: yes.
Comment: The variant is not observed in the gnomAD v4.1.0 dataset. Predicted Consequence/Location: Frameshift: predicted to result in a loss or disruption of normal protein function through nonsense-mediated decay (NMD) or protein truncation. Multiple pathogenic variants are reported downstream of the variant. Therefore, this variant is classified as Likely pathogenic according to the recommendation of ACMG/AMP guideline.